The following is an entry in ClinVar:

ClinVar aggregate classification (germline): Uncertain significance (1 of 4 stars; one submission).

Allele frequency attached by ClinVar (database versions not stated): gnomAD exomes 0.00001; TOPMed 0.00001.
gnomAD v4.1: 16 of 1,596,006 alleles (0.001%); highest among the groups gnomAD compares: African/African-American, 0.0013%; no homozygotes.

Submission:

Labcorp Genetics (formerly Invitae), Labcorp
Classification: Uncertain significance. Last evaluated: 2024-01-19. Review status: criteria provided, single submitter. Criteria: Invitae Variant Classification Sherloc (09022015). Collection method: clinical testing. Allele origin: germline.
Comment: This sequence change replaces alanine with valine at codon 532 of the HGF protein (p.Ala532Val). The alanine residue is highly conserved and there is a small physicochemical difference between alanine and valine. This variant is not present in population databases (gnomAD no frequency). This variant has not been reported in the literature in individuals affected with HGF-related conditions. ClinVar contains an entry for this variant (Variation ID: 1406464). An algorithm developed to predict the effect of missense changes on protein structure and function (PolyPhen-2) suggests that this variant is likely to be disruptive. In summary, the available evidence is currently insufficient to determine the role of this variant in disease. Therefore, it has been classified as a Variant of Uncertain Significance.

NM_000601.6(HGF):c.1595C>T (p.Ala532Val)

Gene: HGF (hepatocyte growth factor; minus strand). Cytogenetic location: 7q21.11.
Variant type: single nucleotide variant.
Coding change: c.1595C>T on transcript NM_000601.6 (MANE Select); coding-DNA position 1595, C replaced by T.
Protein change: p.Ala532Val; replaces alanine 532 with valine.
Molecular consequence: missense variant.
Genome position (GRCh38, 1-based): chr7:81,707,311, G>A on the plus strand (C>T on the coding strand, the complement: HGF is on the minus strand). VCF-style: chr7-81707311-G-A. GRCh37 (hg19) VCF-style: chr7-81336627-G-A.
Other names: c.1580C>T, p.Ala527Val (NM_001010932.3); short protein forms A532V, A527V.
Identifiers: ClinVar variation 1406464 (VCV001406464.6), dbSNP rs1418748701, ClinGen allele CA367873051.